The following is an entry in ClinVar:

ClinVar aggregate classification (germline): Uncertain significance (1 of 4 stars; one submission).

Conditions:
Fanconi anemia (FA). Also called: Fanconi's anemia. Identifiers: Orphanet 84, MedGen C0015625, MeSH D005199, MONDO:0019391.

Submission:

Labcorp Genetics (formerly Invitae), Labcorp
Classification: Uncertain significance for Fanconi anemia. Last evaluated: 2023-01-19. Review status: criteria provided, single submitter. Criteria: Invitae Variant Classification Sherloc (09022015). Collection method: clinical testing. Allele origin: germline.
Comment: Advanced modeling of protein sequence and biophysical properties (such as structural, functional, and spatial information, amino acid conservation, physicochemical variation, residue mobility, and thermodynamic stability) performed at Invitae indicates that this missense variant is not expected to disrupt FANCA protein function. In summary, the available evidence is currently insufficient to determine the role of this variant in disease. Therefore, it has been classified as a Variant of Uncertain Significance. This variant has not been reported in the literature in individuals affected with FANCA-related conditions. This variant is not present in population databases (gnomAD no frequency). This sequence change replaces asparagine, which is neutral and polar, with serine, which is neutral and polar, at codon 1140 of the FANCA protein (p.Asn1140Ser).

NM_000135.4(FANCA):c.3419A>G (p.Asn1140Ser)

Gene: FANCA (FA complementation group A; minus strand). Cytogenetic location: 16q24.3.
Variant type: single nucleotide variant.
Coding change: c.3419A>G on transcript NM_000135.4 (MANE Select); coding-DNA position 3419, A replaced by G.
Protein change: p.Asn1140Ser; replaces asparagine 1140 with serine.
Molecular consequence: missense variant.
Genome position (GRCh38, 1-based): chr16:89,746,678, T>C on the plus strand (A>G on the coding strand, the complement: FANCA is on the minus strand). VCF-style: chr16-89746678-T-C. GRCh37 (hg19) VCF-style: chr16-89813086-T-C.
Other names: c.3419A>G, p.Asn1140Ser (NM_001286167.3); short protein forms N1140S.
Identifiers: ClinVar variation 2915043 (VCV002915043.3), dbSNP rs2143106900, ClinGen allele CA397486005.
Genomic context (GRCh38, chr16:89,746,678, plus strand): 5'-TGGCACTTGGCCAGTATGAAGTCGACCATCAGGGAGGGGTCTCTGCTCCGCAGACAGGCG[T>C]TCAGGAGGCCCTGCAGGAGAGAACGCAGCAGGAGGTCAGCGGTTTGTGAGGACCCACAAC-3'
Protein context (NP_000126.2, residues 1130-1150): ITAHFFRGLL[Asn1140Ser]ACLRSRDPSL